The following is an entry in ClinVar:

NM_001486.4(GCKR):c.69del (p.Tyr24fs)

Gene: GCKR (glucokinase regulator; plus strand). Cytogenetic location: 2p23.3.
Variant type: Deletion.
Coding change: c.69del on transcript NM_001486.4 (MANE Select); coding-DNA position 69, one base deleted (G; older notation c.69delG).
Protein change: p.Tyr24fs; shifts the reading frame from tyrosine 24.
Molecular consequence: frameshift variant.
Genome position (GRCh38, 1-based): chr2:27,497,252, G deleted; the last of 3 consecutive G bases (chr2:27,497,250-27,497,252); deleting any one gives the same sequence. VCF-style (leftmost placement, unchanged base first): chr2-27497249-TG-T. GRCh37 (hg19) VCF-style: chr2-27720116-TG-T.
Other names: short protein forms Y24fs.
Identifiers: ClinVar variation 3281012 (VCV003281012.1).

ClinVar aggregate classification (germline): Uncertain significance (1 of 4 stars; one submission).

Submission:

Ambry Genetics
Classification: Uncertain significance. Last evaluated: 2024-05-14. Review status: criteria provided, single submitter. Criteria: Ambry Variant Classification Scheme 2023. Collection method: clinical testing. Allele origin: germline.
Comment: Does not currently meet published gene-disease clinical validity criteria Based on insufficient or conflicting evidence, the clinical significance of this alteration remains unclear.

Literature cited by the submitters: PubMed 28106320.